The following is an entry in ClinVar:

ClinVar aggregate classification (germline): Uncertain significance (1 of 4 stars; one submission).

Conditions:
Cardiovascular phenotype. Identifiers: MedGen CN230736.

gnomAD v4.1: 1 of 1,613,500 alleles (0.000062%); highest among the groups gnomAD compares: Non-Finnish European, 0.000085%; no homozygotes.

Submission:

Ambry Genetics
Classification: Uncertain significance for Cardiovascular phenotype. Last evaluated: 2025-08-19. Review status: criteria provided, single submitter. Criteria: Ambry Variant Classification Scheme 2023. Collection method: clinical testing. Allele origin: germline.
Comment: The p.V605E variant (also known as c.1814T>A), located in coding exon 18 of the EYA4 gene, results from a T to A substitution at nucleotide position 1814. The valine at codon 605 is replaced by glutamic acid, an amino acid with dissimilar properties. This amino acid position is conserved. In addition, this alteration is predicted to be deleterious by in silico analysis. Based on the available evidence, the clinical significance of this variant remains unclear.

NM_004100.5(EYA4):c.1814T>A (p.Val605Glu)

Genes: TARID (TCF21 antisense RNA inducing promoter demethylation; minus strand), EYA4 (EYA transcriptional coactivator and phosphatase 4; plus strand). Cytogenetic location: 6q23.2.
Variant type: single nucleotide variant.
Coding change: c.1814T>A on transcript NM_004100.5 (MANE Select); coding-DNA position 1814, T replaced by A.
Protein change: p.Val605Glu; replaces valine 605 with glutamic acid.
Molecular consequence: missense variant. On other transcripts: intron variant (3).
Genome position (GRCh38, 1-based): chr6:133,525,229, T>A. VCF-style: chr6-133525229-T-A. GRCh37 (hg19) VCF-style: chr6-133846367-T-A.
Other names: c.1745T>A, p.Val582Glu (NM_172103.4); c.1839+114T>A (NM_172105.4); c.1770+114T>A (NM_001370458.1); c.1677+114T>A (NM_001301012.2); c.1832T>A, p.Val611Glu (NM_001301013.2); c.1670T>A, p.Val557Glu (NM_001370459.1); short protein forms V605E, V557E, V582E, V611E.
Identifiers: ClinVar variation 4252203 (VCV004252203.1).